The following is an entry in ClinVar:

NM_001077350.3(NPRL3):c.1031+5G>A

Genes: HBA-LCR (alpha-globin locus control region; plus strand), NPRL3 (NPR3 like, GATOR1 complex subunit; minus strand). Cytogenetic location: 16p13.3.
Variant type: single nucleotide variant.
Coding change: c.1031+5G>A on transcript NM_001077350.3 (MANE Select); 5 bases into the intron after coding-DNA position 1031, G replaced by A.
Molecular consequence: intron variant.
Genome position (GRCh38, 1-based): chr16:93,214, C>T on the plus strand (G>A on the coding strand, the complement: NPRL3 is on the minus strand). VCF-style: chr16-93214-C-T. GRCh37 (hg19) VCF-style: chr16-143212-C-T.
Other names: c.797+5G>A (NM_001243247.2); c.956+5G>A (NM_001243248.2, NM_001243249.2); c.494+5G>A (NM_001039476.3).
Identifiers: ClinVar variation 2754512 (VCV002754512.3), dbSNP rs2542813313, ClinGen allele CA2630735468.

ClinVar aggregate classification (germline): Uncertain significance (1 of 4 stars; one submission).

Conditions:
Epilepsy, familial focal, with variable foci 3 (FFEVF3). Identifiers: MedGen C4310708, MONDO:0014925, OMIM 617118.

Submission:

Labcorp Genetics (formerly Invitae), Labcorp
Classification: Uncertain significance for Epilepsy, familial focal, with variable foci 3. Last evaluated: 2023-11-10. Review status: criteria provided, single submitter. Criteria: Invitae Variant Classification Sherloc (09022015). Collection method: clinical testing. Allele origin: germline.
Comment: This sequence change falls in intron 10 of the NPRL3 gene. It does not directly change the encoded amino acid sequence of the NPRL3 protein. It affects a nucleotide within the consensus splice site. This variant is not present in population databases (gnomAD no frequency). This variant has not been reported in the literature in individuals affected with NPRL3-related conditions. Variants that disrupt the consensus splice site are a relatively common cause of aberrant splicing (PMID: 17576681, 9536098). Algorithms developed to predict the effect of sequence changes on RNA splicing suggest that this variant may disrupt the consensus splice site. In summary, the available evidence is currently insufficient to determine the role of this variant in disease. Therefore, it has been classified as a Variant of Uncertain Significance.

Literature cited by the submitters: PubMed 17576681; PubMed 9536098.